The following is an entry in ClinVar:

NM_021098.3(CACNA1H):c.2151G>A (p.Ser717=)

Gene: CACNA1H (calcium voltage-gated channel subunit alpha1 H; plus strand). Cytogenetic location: 16p13.3.
Variant type: single nucleotide variant.
Coding change: c.2151G>A on transcript NM_021098.3 (MANE Select); coding-DNA position 2151, G replaced by A.
Protein change: p.Ser717=; no amino-acid change (serine 717 retained).
Molecular consequence: synonymous variant.
Genome position (GRCh38, 1-based): chr16:1,204,158, G>A. VCF-style: chr16-1204158-G-A. GRCh37 (hg19) VCF-style: chr16-1254158-G-A.
Other names: c.2151G>A, p.Ser717= (NM_001005407.2).
Identifiers: ClinVar variation 529641 (VCV000529641.16), dbSNP rs200423899, ClinGen allele CA7800130.

ClinVar aggregate classification (germline): Benign/Likely benign. Review status: criteria provided, multiple submitters, no conflicts (2 of 4 stars). 5 submissions from 5 submitters: Benign (1); Likely benign (4). Last evaluated 2025-10-25.

Conditions:
CACNA1H-related disorder.
Hyperaldosteronism, familial, type IV (HALD4). Also called: FH IV; ALDOSTERONISM, PRIMARY, AND HYPERTENSION. Identifiers: Orphanet 642671, MedGen C4310756, MONDO:0014875, OMIM 617027.
Epilepsy, childhood absence, susceptibility to, 6. Identifiers: Orphanet 64280, MedGen C2749872, MONDO:0012763, OMIM 611942.
Inborn genetic diseases. Identifiers: MedGen C0950123, MeSH D030342.
Idiopathic generalized epilepsy. Also called: Generalised epilepsy; EIG. Identifiers: MedGen C0270850, MONDO:0005579, OMIM 600669.

Allele frequency attached by ClinVar (database versions not stated): gnomAD exomes 0.00004 and 0.00008; 1000 Genomes Project 0.00020; ESP Exome Variant Server 0.00023; 1000 Genomes Project 30x 0.00031; gnomAD 0.00034 and 0.00036; TOPMed 0.00040.
gnomAD v4.1: 118 of 1,612,032 alleles (0.0073%); highest among the groups gnomAD compares: African/African-American, 0.11%; 1 homozygote.

Submissions (5):

PreventionGenetics, part of Exact Sciences
Classification: Likely benign for CACNA1H-related condition. Last evaluated: 2025-10-25. Review status: criteria provided, single submitter. Criteria: ACMG Guidelines, 2015. Collection method: clinical testing. Allele origin: germline.
Comment: This variant is classified as likely benign based on ACMG/AMP sequence variant interpretation guidelines (Richards et al. 2015 PMID: 25741868, with internal and published modifications).

Labcorp Genetics (formerly Invitae), Labcorp
Classification: Likely benign for Idiopathic generalized epilepsy; Hyperaldosteronism, familial, type IV. Last evaluated: 2025-06-12. Review status: criteria provided, single submitter. Criteria: Invitae Variant Classification Sherloc (09022015). Collection method: clinical testing. Allele origin: germline.

Fulgent Genetics
Classification: Likely benign for Epilepsy, childhood absence, susceptibility to, 6; Hyperaldosteronism, familial, type IV. Last evaluated: 2021-11-13. Review status: criteria provided, single submitter. Criteria: ACMG Guidelines, 2015. Collection method: clinical testing. Allele origin: unknown.

Ambry Genetics
Classification: Likely benign for Inborn genetic diseases. Last evaluated: 2019-06-16. Review status: criteria provided, single submitter. Criteria: Ambry Variant Classification Scheme 2023. Collection method: clinical testing. Allele origin: germline.

Athena Diagnostics
Classification: Benign. Last evaluated: 2018-11-27. Review status: criteria provided, single submitter. Criteria: Athena Diagnostics Criteria. Collection method: clinical testing. Allele origin: germline.